The following is an entry in ClinVar:

ClinVar aggregate classification (germline): Benign/Likely benign. Review status: criteria provided, multiple submitters, no conflicts (2 of 4 stars). 4 submissions from 4 submitters: Benign (3); Likely benign (1). Last evaluated 2026-01-31.

Conditions:
UNC45A-related disorder. Also called: UNC45A-related condition.

Allele frequency attached by ClinVar (database versions not stated): gnomAD exomes 0.00060 and 0.00165; ExAC 0.00203; gnomAD 0.00613 and 0.00659; 1000 Genomes Project 0.00659; TOPMed 0.00700; 1000 Genomes Project 30x 0.00765; ESP Exome Variant Server 0.00816.
gnomAD v4.1: 1,825 of 1,613,980 alleles (0.11%); highest among the groups gnomAD compares: African/African-American, 2.2%; 28 homozygotes.

Submissions (4):

Labcorp Genetics (formerly Invitae), Labcorp
Classification: Benign. Last evaluated: 2026-01-31. Review status: criteria provided, single submitter. Criteria: Invitae Variant Classification Sherloc (09022015). Collection method: clinical testing. Allele origin: germline.

PreventionGenetics, part of Exact Sciences
Classification: Likely benign for UNC45A-related condition. Last evaluated: 2025-12-02. Review status: criteria provided, single submitter. Criteria: ACMG Guidelines, 2015. Collection method: clinical testing. Allele origin: germline.
Comment: This variant is classified as likely benign based on ACMG/AMP sequence variant interpretation guidelines (Richards et al. 2015 PMID: 25741868, with internal and published modifications).

Mayo Clinic Laboratories, Mayo Clinic
Classification: Benign. Last evaluated: 2024-10-15. Review status: criteria provided, single submitter. Criteria: ACMG Guidelines, 2015. Collection method: clinical testing. Allele origin: germline. Observed: 1 variant allele.
Comment: BS1, BS2, BP4, BP7

Breakthrough Genomics
Classification: Benign. Review status: criteria provided, single submitter. Criteria: ACMG Guidelines, 2015. Collection method: not provided. Allele origin: germline. Inheritance: Autosomal recessive inheritance. Affected: yes.

NM_018671.5(UNC45A):c.1788C>T (p.Cys596=)

Gene: UNC45A (unc-45 myosin chaperone A; plus strand). Cytogenetic location: 15q26.1.
Variant type: single nucleotide variant.
Coding change: c.1788C>T on transcript NM_018671.5 (MANE Select); coding-DNA position 1788, C replaced by T.
Protein change: p.Cys596=; no amino-acid change (cysteine 596 retained).
Molecular consequence: synonymous variant.
Genome position (GRCh38, 1-based): chr15:90,948,704, C>T. VCF-style: chr15-90948704-C-T. GRCh37 (hg19) VCF-style: chr15-91491934-C-T.
Other names: p.Cys596=; c.1743C>T, p.Cys581= (NM_001039675.2, NM_001323621.2); c.1788C>T, p.Cys596= (NM_001323619.1); c.1353C>T, p.Cys451= (NM_001323620.2).
Identifiers: ClinVar variation 1170773 (VCV001170773.12), dbSNP rs35027972, ClinGen allele CA7743065.